The following is an entry in ClinVar:

ClinVar aggregate classification (germline): Conflicting classifications of pathogenicity. Review status: criteria provided, conflicting classifications (1 of 4 stars). 2 submissions from 2 submitters: Uncertain significance (1); Likely benign (1). Last evaluated 2019-11-14.

Conditions:
Hereditary cancer-predisposing syndrome. Also called: Neoplastic Syndromes, Hereditary; Hereditary neoplastic syndrome; Tumor predisposition; Hereditary Cancer Syndrome. Identifiers: Orphanet 140162, MedGen C0027672, MeSH D009386, MONDO:0015356.
Hereditary diffuse gastric adenocarcinoma (HDGC). Also called: DIFFUSE GASTRIC AND LOBULAR BREAST CANCER SYNDROME. Identifiers: Orphanet 26106, MedGen C1708349, MONDO:0007648, OMIM 137215.

Submissions (2):

Labcorp Genetics (formerly Invitae), Labcorp
Classification: Uncertain significance for Hereditary diffuse gastric adenocarcinoma. Last evaluated: 2019-11-14. Review status: criteria provided, single submitter. Criteria: Invitae Variant Classification Sherloc (09022015). Collection method: clinical testing. Allele origin: germline.
Comment: This sequence change replaces alanine with valine at codon 636 of the CDH1 protein (p.Ala636Val). The alanine residue is weakly conserved and there is a small physicochemical difference between alanine and valine. This variant is not present in population databases (ExAC no frequency). In summary, the available evidence is currently insufficient to determine the role of this variant in disease. Therefore, it has been classified as a Variant of Uncertain Significance. Algorithms developed to predict the effect of missense changes on protein structure and function output the following: SIFT: "Tolerated"; PolyPhen-2: "Benign"; Align-GVGD: "Class C0". The valine amino acid residue is found in multiple mammalian species, suggesting that this missense change does not adversely affect protein function. These predictions have not been confirmed by published functional studies and their clinical significance is uncertain. This variant has not been reported in the literature in individuals with CDH1-related disease.

Ambry Genetics
Classification: Likely benign for Hereditary cancer-predisposing syndrome. Last evaluated: 2015-12-16. Review status: criteria provided, single submitter. Criteria: Ambry Variant Classification Scheme 2023. Collection method: clinical testing. Allele origin: germline.

NM_004360.5(CDH1):c.1907C>T (p.Ala636Val)

Gene: CDH1 (cadherin 1; plus strand). Cytogenetic location: 16q22.1.
Variant type: single nucleotide variant.
Coding change: c.1907C>T on transcript NM_004360.5 (MANE Select); coding-DNA position 1907, C replaced by T.
Protein change: p.Ala636Val; replaces alanine 636 with valine.
Molecular consequence: missense variant. On other transcripts: 5 prime UTR variant (1).
Genome position (GRCh38, 1-based): chr16:68,822,196, C>T. VCF-style: chr16-68822196-C-T. GRCh37 (hg19) VCF-style: chr16-68856099-C-T.
Other names: c.1907C>T (LRG_301t1); c.1724C>T, p.Ala575Val (NM_001317184.2); c.359C>T, p.Ala120Val (NM_001317185.2); c.-59C>T (NM_001317186.2); short protein forms A636V, A120V, A575V.
Identifiers: ClinVar variation 532447 (VCV000532447.13), dbSNP rs1555516894, ClinGen allele CA396467214.
Genomic context (GRCh38, chr16:68,822,196, plus strand): 5'-ATGCAGACCTTCCTCCCAATACATCTCCCTTCACAGCAGAACTAACACACGGGGCGAGTG[C>T]CAACTGGACCATTCAGTACAACGACCCAAGTGGGTACCTGAGTTTTATTTTGGCAACTTT-3'
Protein context (NP_004351.1, residues 626-646): FTAELTHGAS[Ala636Val]NWTIQYNDPT